The following is an entry in ClinVar:

NM_025137.4(SPG11):c.1611A>G (p.Ile537Met)

Gene: SPG11 (SPG11 vesicle trafficking associated, spatacsin; minus strand). Cytogenetic location: 15q21.1.
Variant type: single nucleotide variant.
Coding change: c.1611A>G on transcript NM_025137.4 (MANE Select); coding-DNA position 1611, A replaced by G.
Protein change: p.Ile537Met; replaces isoleucine 537 with methionine.
Molecular consequence: missense variant.
Genome position (GRCh38, 1-based): chr15:44,633,629, T>C on the plus strand (A>G on the coding strand, the complement: SPG11 is on the minus strand). VCF-style: chr15-44633629-T-C. GRCh37 (hg19) VCF-style: chr15-44925827-T-C.
Other names: c.1611A>G, p.Ile537Met (NM_001160227.2, NM_001411132.1); c.1611A>G (NM_025137.3); short protein forms I537M.
Identifiers: ClinVar variation 2200082 (VCV002200082.2), dbSNP rs751037214, ClinGen allele CA7535490.

ClinVar aggregate classification (germline): Uncertain significance. Review status: criteria provided, multiple submitters, no conflicts (2 of 4 stars). 2 submissions from 2 submitters: Uncertain significance (2). Last evaluated 2025-02-18.

Conditions:
Hereditary spastic paraplegia 11. Also called: Spastic paraplegia, mental retardation and thin corpus callosum; SPASTIC PARAPLEGIA, AUTOSOMAL RECESSIVE, COMPLICATED, WITH THIN CORPUS CALLOSUM; SPASTIC PARAPLEGIA, AUTOSOMAL RECESSIVE, WITH MENTAL IMPAIRMENT AND THIN CORPUS CALLOSUM; Nakamura Osame syndrome; Autosomal recessive hereditary spastic paraplegia, mental impairment, and thin corpus callosum; Spastic Paraplegia 11. Identifiers: Orphanet 2822, MedGen C1858479, MONDO:0011445, OMIM 604360.
SPG11-related disorder. Also called: SPG11-related condition.

Allele frequency attached by ClinVar (database versions not stated): ExAC 0.00001; gnomAD exomes 0.00001; TOPMed 0.00001.
gnomAD v4.1: 8 of 1,613,436 alleles (0.0005%); highest among the groups gnomAD compares: Admixed American, 0.0067%; no homozygotes.

Submissions (2):

PreventionGenetics, part of Exact Sciences
Classification: Uncertain significance for SPG11-related condition. Last evaluated: 2025-02-18. Review status: criteria provided, single submitter. Criteria: ACMG Guidelines, 2015. Collection method: clinical testing. Allele origin: germline.
Comment: The SPG11 c.1611A>G variant is predicted to result in the amino acid substitution p.Ile537Met. To our knowledge, this variant has not been reported in the literature. This variant is reported in 0.012% of alleles in individuals of Latino descent in gnomAD. At this time, the clinical significance of this variant is uncertain due to the absence of conclusive functional and genetic evidence.

Labcorp Genetics (formerly Invitae), Labcorp
Classification: Uncertain significance for Hereditary spastic paraplegia 11. Last evaluated: 2022-08-10. Review status: criteria provided, single submitter. Criteria: Invitae Variant Classification Sherloc (09022015). Collection method: clinical testing. Allele origin: germline.
Comment: This sequence change replaces isoleucine, which is neutral and non-polar, with methionine, which is neutral and non-polar, at codon 537 of the SPG11 protein (p.Ile537Met). This variant is present in population databases (rs751037214, gnomAD 0.01%). This variant has not been reported in the literature in individuals affected with SPG11-related conditions. Algorithms developed to predict the effect of missense changes on protein structure and function are either unavailable or do not agree on the potential impact of this missense change (SIFT: "Tolerated"; PolyPhen-2: "Probably Damaging"; Align-GVGD: "Class C0"). In summary, the available evidence is currently insufficient to determine the role of this variant in disease. Therefore, it has been classified as a Variant of Uncertain Significance.